The following is an entry in ClinVar:

NM_004360.5(CDH1):c.638G>T (p.Trp213Leu)

Gene: CDH1 (cadherin 1; plus strand). Cytogenetic location: 16q22.1.
Variant type: single nucleotide variant.
Coding change: c.638G>T on transcript NM_004360.5 (MANE Select); coding-DNA position 638, G replaced by T.
Protein change: p.Trp213Leu; replaces tryptophan 213 with leucine.
Molecular consequence: missense variant. On other transcripts: 5 prime UTR variant (2).
Genome position (GRCh38, 1-based): chr16:68,808,799, G>T. VCF-style: chr16-68808799-G-T. GRCh37 (hg19) VCF-style: chr16-68842702-G-T.
Other names: c.638G>T, p.Trp213Leu (NM_001317184.2); c.-978G>T (NM_001317185.2); c.-1182G>T (NM_001317186.2); c.638G>T (LRG_301t1); short protein forms W213L.
Identifiers: ClinVar variation 567387 (VCV000567387.9), dbSNP rs1567504890, ClinGen allele CA396458063.

ClinVar aggregate classification (germline): Uncertain significance. Review status: criteria provided, multiple submitters, no conflicts (2 of 4 stars). 2 submissions from 2 submitters: Uncertain significance (2). Last evaluated 2026-01-19.

Conditions:
Hereditary cancer-predisposing syndrome. Also called: Neoplastic Syndromes, Hereditary; Tumor predisposition; Hereditary Cancer Syndrome; Hereditary neoplastic syndrome. Identifiers: Orphanet 140162, MedGen C0027672, MeSH D009386, MONDO:0015356.
Hereditary diffuse gastric adenocarcinoma (HDGC). Also called: DIFFUSE GASTRIC AND LOBULAR BREAST CANCER SYNDROME. Identifiers: Orphanet 26106, MedGen C1708349, MONDO:0007648, OMIM 137215.

Allele frequency attached by ClinVar (database versions not stated): gnomAD exomes below 0.00001.
gnomAD v4.1: 1 of 1,614,166 alleles (0.000062%); highest among the groups gnomAD compares: Non-Finnish European, 0.000085%; no homozygotes.

Submissions (2):

Labcorp Genetics (formerly Invitae), Labcorp
Classification: Uncertain significance for Hereditary diffuse gastric adenocarcinoma. Last evaluated: 2026-01-19. Review status: criteria provided, single submitter. Criteria: Invitae Variant Classification Sherloc (09022015). Collection method: clinical testing. Allele origin: germline.
Comment: This sequence change replaces tryptophan, which is neutral and slightly polar, with leucine, which is neutral and non-polar, at codon 213 of the CDH1 protein (p.Trp213Leu). This variant is not present in population databases (gnomAD no frequency). This variant has not been reported in the literature in individuals affected with CDH1-related conditions. ClinVar contains an entry for this variant (Variation ID: 567387). An algorithm developed to predict the effect of missense changes on protein structure and function (PolyPhen-2) suggests that this variant is likely to be disruptive. In summary, the available evidence is currently insufficient to determine the role of this variant in disease. Therefore, it has been classified as a Variant of Uncertain Significance.

Ambry Genetics
Classification: Uncertain significance for Hereditary cancer-predisposing syndrome. Last evaluated: 2024-07-04. Review status: criteria provided, single submitter. Criteria: Ambry Variant Classification Scheme 2023. Collection method: clinical testing. Allele origin: germline.
Comment: The p.W213L variant (also known as c.638G>T), located in coding exon 5 of the CDH1 gene, results from a G to T substitution at nucleotide position 638. The tryptophan at codon 213 is replaced by leucine, an amino acid with similar properties. This amino acid position is conserved. In addition, this alteration is predicted to be tolerated by in silico analysis. Based on the available evidence, the clinical significance of this variant remains unclear.